The following is an entry in ClinVar:

ClinVar aggregate classification (germline): Uncertain significance. Review status: criteria provided, single submitter (1 of 4 stars). 2 submissions from 2 submitters: Uncertain significance (1). 1 of the submissions does not count toward it. Last evaluated 2021-08-31.

Conditions:
Neuronal ceroid lipofuscinosis. Also called: Neuronal Ceroid Lipofuscinoses. Identifiers: Orphanet 216, Orphanet 79263, MedGen C0027877, MONDO:0016295. Disease mechanism: loss of function.
Juvenile neuronal ceroid lipofuscinosis. Also called: Batten Disease. Identifiers: Orphanet 79264, MedGen CN293564, MONDO:0019262.

Submissions (2):

Labcorp Genetics (formerly Invitae), Labcorp
Classification: Uncertain significance for Neuronal ceroid lipofuscinosis. Last evaluated: 2021-08-31. Review status: criteria provided, single submitter. Criteria: Invitae Variant Classification Sherloc (09022015). Collection method: clinical testing. Allele origin: germline.
Comment: This sequence change replaces leucine with tryptophan at codon 230 of the CLN3 protein (p.Leu230Trp). The leucine residue is highly conserved and there is a small physicochemical difference between leucine and tryptophan. This variant is not present in population databases (ExAC no frequency). This variant has not been reported in the literature in individuals affected with CLN3-related conditions. Algorithms developed to predict the effect of missense changes on protein structure and function are either unavailable or do not agree on the potential impact of this missense change (SIFT: "Deleterious"; PolyPhen-2: "Probably Damaging"; Align-GVGD: "Class C0"). In summary, the available evidence is currently insufficient to determine the role of this variant in disease. Therefore, it has been classified as a Variant of Uncertain Significance.

Natera, Inc.
Classification: Uncertain significance for Batten Disease. Last evaluated: 2025-03-12. Review status: no assertion criteria provided. Collection method: clinical testing. Allele origin: germline. Not counted in ClinVar's aggregate classification.

NM_001042432.2(CLN3):c.689T>G (p.Leu230Trp)

Gene: CLN3 (CLN3 lysosomal/endosomal transmembrane protein, battenin; minus strand). Cytogenetic location: 16p12.1.
Variant type: single nucleotide variant.
Coding change: c.689T>G on transcript NM_001042432.2 (MANE Select); coding-DNA position 689, T replaced by G.
Protein change: p.Leu230Trp; replaces leucine 230 with tryptophan.
Molecular consequence: missense variant.
Genome position (GRCh38, 1-based): chr16:28,484,107, A>C on the plus strand (T>G on the coding strand, the complement: CLN3 is on the minus strand). VCF-style: chr16-28484107-A-C. GRCh37 (hg19) VCF-style: chr16-28495428-A-C.
Other names: c.689T>G, p.Leu230Trp (NM_000086.2); c.617T>G, p.Leu206Trp (NM_001286104.2); c.389T>G, p.Leu130Trp (NM_001286105.2); c.455T>G, p.Leu152Trp (NM_001286109.2); c.527T>G, p.Leu176Trp (NM_001286110.2); short protein forms L130W, L152W, L176W, L206W, L230W.
Identifiers: ClinVar variation 1021721 (VCV001021721.7), dbSNP rs2046161855, ClinGen allele CA395344946.